The following is an entry in ClinVar:

NM_003742.4(ABCB11):c.1674G>C (p.Gln558His)

Gene: ABCB11 (ATP binding cassette subfamily B member 11; minus strand). Cytogenetic location: 2q31.1.
Variant type: single nucleotide variant.
Coding change: c.1674G>C on transcript NM_003742.4 (MANE Select); coding-DNA position 1674, G replaced by C.
Protein change: p.Gln558His; replaces glutamine 558 with histidine.
Molecular consequence: missense variant.
Genome position (GRCh38, 1-based): chr2:168,970,180, C>G on the plus strand (G>C on the coding strand, the complement: ABCB11 is on the minus strand). VCF-style: chr2-168970180-C-G. GRCh37 (hg19) VCF-style: chr2-169826690-C-G.
Other names: short protein forms Q558H.
Identifiers: ClinVar variation 4846130 (VCV004846130.1).
Genomic context (GRCh38, chr2:168,970,180, plus strand): 5'-CTTGGGATTTCGGATGAGGGCTCTGGCGATAGCTACCCTTTGTTTCTGGCCACCACTCAT[C>G]TGGCCTCCTCCTTCTCCAACAAGGGTGTCAAATTGCTAGATGGAAGGTGACACCAGTCAT-3'
Protein context (NP_003733.2, residues 548-568): FDTLVGEGGG[Gln558His]MSGGQKQRVA

ClinVar aggregate classification (germline): Uncertain significance (1 of 4 stars; one submission).

Conditions:
Familial intrahepatic cholestasis. Identifiers: Orphanet 284385, MedGen CN296401, MONDO:0017290.

gnomAD v4.1: 12 of 1,612,386 alleles (0.00074%); highest among the groups gnomAD compares: South Asian, 0.0011%; no homozygotes.

Submission:

Genomenon, Inc
Classification: Uncertain significance for Familial intrahepatic cholestasis. Last evaluated: 2026-04-14. Review status: criteria provided, single submitter. Criteria: Genomenon Sequence Variant Interpretation Standards - Updated. Collection method: curation. Allele origin: germline. Affected: yes.
Comment: ABCB11 p.Gln558His (c.1674G>C) is a missense variant that changes the amino acid at residue 558 from Glutamine to Histidine. This variant has been observed in at least one proband with an ABCB11-related disorder (PMID:23022423). At least one functional study has demonstrated a substantial alteration in protein function relative to the wild-type (PMID:20010382). It is absent or not present at a significant frequency in gnomAD. In conclusion, we classify ABCB11 p.Gln558His (c.1674G>C) as a variant of uncertain significance.

Literature cited by the submitters: PubMed 23022423; PubMed 20010382.